The following is an entry in ClinVar:

ClinVar aggregate classification (germline): Pathogenic (1 of 4 stars; one submission).

Submission:

Labcorp Genetics (formerly Invitae), Labcorp
Classification: Pathogenic. Last evaluated: 2025-03-04. Review status: criteria provided, single submitter. Criteria: Invitae Variant Classification Sherloc (09022015). Collection method: clinical testing. Allele origin: germline.
Comment: This sequence change creates a premature translational stop signal (p.Arg492Thrfs*6) in the HPS6 gene. While this is not anticipated to result in nonsense mediated decay, it is expected to disrupt the last 284 amino acid(s) of the HPS6 protein. This variant is not present in population databases (gnomAD no frequency). This variant has not been reported in the literature in individuals affected with HPS6-related conditions. This variant disrupts a region of the HPS6 protein in which other variant(s) (p.Gln680*) have been determined to be pathogenic (PMID: 27225848, 29054114, 31141302). This suggests that this is a clinically significant region of the protein, and that variants that disrupt it are likely to be disease-causing. For these reasons, this variant has been classified as Pathogenic.

Literature cited by the submitters: PubMed 27225848; PubMed 29054114; PubMed 31141302.

NM_024747.6(HPS6):c.1473dup (p.Arg492fs)

Gene: HPS6 (HPS6 biogenesis of lysosomal organelles complex 2 subunit 3; plus strand). Cytogenetic location: 10q24.32.
Variant type: Duplication.
Coding change: c.1473dup on transcript NM_024747.6 (MANE Select); coding-DNA position 1473, one base duplicated (A; older notation c.1473dupA).
Protein change: p.Arg492fs; shifts the reading frame from arginine 492.
Molecular consequence: frameshift variant.
Genome position (GRCh38, 1-based): chr10:102,066,947, A duplicated. VCF-style (leftmost placement, unchanged base first): chr10-102066946-C-CA. GRCh37 (hg19) VCF-style: chr10-103826703-C-CA.
Other names: short protein forms R492fs.
Identifiers: ClinVar variation 4714294 (VCV004714294.1).